The following is an entry in ClinVar:

NM_001379659.1(ZNF142):c.1284G>A (p.Ala428=)

Gene: ZNF142 (zinc finger protein 142; minus strand). Cytogenetic location: 2q35.
Variant type: single nucleotide variant.
Coding change: c.1284G>A on transcript NM_001379659.1 (MANE Select); coding-DNA position 1284, G replaced by A.
Protein change: p.Ala428=; no amino-acid change (alanine 428 retained).
Molecular consequence: synonymous variant.
Genome position (GRCh38, 1-based): chr2:218,649,224, C>T on the plus strand (G>A on the coding strand, the complement: ZNF142 is on the minus strand). VCF-style: chr2-218649224-C-T. GRCh37 (hg19) VCF-style: chr2-219513947-C-T.
Other names: c.684G>A, p.Ala228= (NM_001105537.5, NM_001366291.3, NM_001379662.1); c.195G>A, p.Ala65= (NM_001366287.3, NM_001366288.3, NM_001366289.3); c.1284G>A, p.Ala428= (NM_001366290.3, NM_001379660.1, NM_001379661.1).
Identifiers: ClinVar variation 1176420 (VCV001176420.36), dbSNP rs61733647, ClinGen allele CA2109398.

ClinVar aggregate classification (germline): Likely benign. Review status: criteria provided, multiple submitters, no conflicts (2 of 4 stars). 3 submissions from 3 submitters: Likely benign (2). 1 of the submissions does not count toward it. Last evaluated 2026-09-01.

Conditions:
ZNF142-related disorder. Also called: ZNF142-related condition.

Allele frequency attached by ClinVar (database versions not stated): 1000 Genomes Project 30x 0.00156; 1000 Genomes Project 0.00180; TOPMed 0.00435; gnomAD exomes 0.00455 and 0.00476; ExAC 0.00475; ESP Exome Variant Server 0.00484; gnomAD 0.00538.
gnomAD v4.1: 7,471 of 1,614,218 alleles (0.46%); highest among the groups gnomAD compares: Non-Finnish European, 0.47%; 48 homozygotes.

Submissions (3):

CeGaT Center for Human Genetics Tuebingen
Classification: Likely benign. Last evaluated: 2026-09-01. Review status: criteria provided, single submitter. Criteria: CeGaT Center For Human Genetics Tuebingen Variant Classification Criteria Version 2. Collection method: clinical testing. Allele origin: germline. Affected: yes. Observed: 57 variant alleles.
Comment: ZNF142: BP4, BP7, BS2

Breakthrough Genomics
Classification: Likely benign. Review status: criteria provided, single submitter. Criteria: ACMG Guidelines, 2015. Collection method: not provided. Allele origin: germline. Inheritance: Autosomal recessive inheritance. Affected: yes.

PreventionGenetics, part of Exact Sciences
Classification: Benign for ZNF142-related condition. Last evaluated: 2024-08-06. Review status: no assertion criteria provided. Collection method: clinical testing. Allele origin: germline. Not counted in ClinVar's aggregate classification.
Comment: This variant is classified as benign based on ACMG/AMP sequence variant interpretation guidelines (Richards et al. 2015 PMID: 25741868, with internal and published modifications).